The following is an entry in ClinVar:

ClinVar aggregate classification (germline): Uncertain significance (1 of 4 stars; one submission).

Conditions:
Singleton-Merten syndrome 1 (SGMRT1). Also called: Widened medullary cavities of bone, aortic calcification, abnormal dentition, and muscular weakness; Syndrome of widened medullary cavities of the metacarpals and phalanges, aortic calcification and abnormal dentition. Identifiers: Orphanet 85191, MedGen C4225427, MONDO:0024535, OMIM 182250.
Aicardi-Goutieres syndrome 7 (AGS7). Identifiers: Orphanet 51, MedGen C3888244, MONDO:0014367, OMIM 615846.

Submission:

Labcorp Genetics (formerly Invitae), Labcorp
Classification: Uncertain significance for Aicardi-Goutieres syndrome 7; Singleton-Merten syndrome 1. Last evaluated: 2024-02-17. Review status: criteria provided, single submitter. Criteria: Invitae Variant Classification Sherloc (09022015). Collection method: clinical testing. Allele origin: germline.
Comment: This sequence change creates a premature translational stop signal (p.Glu943*) in the IFIH1 gene. It is expected to result in an absent or disrupted protein product. However, the current clinical and genetic evidence is not sufficient to establish whether loss-of-function variants in IFIH1 cause disease. This variant is not present in population databases (gnomAD no frequency). This variant has not been reported in the literature in individuals affected with IFIH1-related conditions. ClinVar contains an entry for this variant (Variation ID: 1354220). In summary, the available evidence is currently insufficient to determine the role of this variant in disease. Therefore, it has been classified as a Variant of Uncertain Significance.

NM_022168.4(IFIH1):c.2827G>T (p.Glu943Ter)

Gene: IFIH1 (interferon induced with helicase C domain 1; minus strand). Cytogenetic location: 2q24.2.
Variant type: single nucleotide variant.
Coding change: c.2827G>T on transcript NM_022168.4 (MANE Select); coding-DNA position 2827, G replaced by T.
Protein change: p.Glu943Ter; replaces glutamic acid 943 with a stop codon.
Molecular consequence: nonsense.
Genome position (GRCh38, 1-based): chr2:162,267,550, C>A on the plus strand (G>T on the coding strand, the complement: IFIH1 is on the minus strand). VCF-style: chr2-162267550-C-A. GRCh37 (hg19) VCF-style: chr2-163124060-C-A.
Other names: short protein forms E943*.
Identifiers: ClinVar variation 1354220 (VCV001354220.6), dbSNP rs2105187079, ClinGen allele CA348989997.